The following is an entry in ClinVar:

ClinVar aggregate classification (germline): Uncertain significance (1 of 4 stars; one submission).

gnomAD v4.1: 2 of 1,614,150 alleles (0.00012%); no homozygotes.

Submission:

Labcorp Genetics (formerly Invitae), Labcorp
Classification: Uncertain significance. Last evaluated: 2025-05-19. Review status: criteria provided, single submitter. Criteria: Invitae Variant Classification Sherloc (09022015). Collection method: clinical testing. Allele origin: germline.
Comment: This sequence change affects a donor splice site in intron 2 of the MRPS7 gene. It is expected to disrupt RNA splicing. Variants that disrupt the donor or acceptor splice site typically lead to a loss of protein function (PMID: 16199547), however the current clinical and genetic evidence is not sufficient to establish whether loss-of-function variants in MRPS7 cause disease. This variant is present in population databases (rs767619087, gnomAD 0.004%). This variant has not been reported in the literature in individuals affected with MRPS7-related conditions. ClinVar contains an entry for this variant (Variation ID: 3686293). Algorithms developed to predict the effect of sequence changes on RNA splicing suggest that this variant may disrupt the consensus splice site. In summary, the available evidence is currently insufficient to determine the role of this variant in disease. Therefore, it has been classified as a Variant of Uncertain Significance.

Literature cited by the submitters: PubMed 16199547.

NM_015971.4(MRPS7):c.275+1G>A

Gene: MRPS7 (mitochondrial ribosomal protein S7; plus strand). Cytogenetic location: 17q25.1.
Variant type: single nucleotide variant.
Coding change: c.275+1G>A on transcript NM_015971.4 (MANE Select); the canonical splice donor site of the intron after coding-DNA position 275, G replaced by A.
Molecular consequence: splice donor variant.
Genome position (GRCh38, 1-based): chr17:75,262,689, G>A. VCF-style: chr17-75262689-G-A. GRCh37 (hg19) VCF-style: chr17-73258770-G-A.
Identifiers: ClinVar variation 3686293 (VCV003686293.2).